The following is an entry in ClinVar:

NM_014921.5(ADGRL1):c.796G>A (p.Ala266Thr)

Genes: ADGRL1 (adhesion G protein-coupled receptor L1; minus strand), ADGRL1-AS1 (ADGRL1 antisense RNA 1; plus strand). Cytogenetic location: 19p13.12.
Variant type: single nucleotide variant.
Coding change: c.796G>A on transcript NM_014921.5 (MANE Select); coding-DNA position 796, G replaced by A.
Protein change: p.Ala266Thr; replaces alanine 266 with threonine.
Molecular consequence: missense variant.
Genome position (GRCh38, 1-based): chr19:14,163,005, C>T on the plus strand (G>A on the coding strand, the complement: ADGRL1 is on the minus strand). VCF-style: chr19-14163005-C-T. GRCh37 (hg19) VCF-style: chr19-14273817-C-T.
Other names: c.811G>A, p.Ala271Thr (NM_001008701.3); short protein forms A266T, A271T.
Identifiers: ClinVar variation 4056333 (VCV004056333.1).

ClinVar aggregate classification (germline): Likely benign (1 of 4 stars; one submission).

Conditions:
Developmental delay, behavioral abnormalities, and neuropsychiatric disorders (DEDBANP). Identifiers: MedGen C5774224, MONDO:0859292, OMIM 620065.

Submission:

Institute of Human Genetics, University of Leipzig Medical Center
Classification: Likely benign for Developmental delay, behavioral abnormalities, and neuropsychiatric disorders. Last evaluated: 2025-07-03. Review status: criteria provided, single submitter. Criteria: ACMG Guidelines, 2015. Collection method: clinical testing. Allele origin: paternal. Inheritance: Autosomal dominant inheritance. Affected: yes.
Comment: Criteria applied: PM2_SUP,PP2,PP3,BS2